The following is an entry in ClinVar:

ClinVar aggregate classification (germline): Uncertain significance (1 of 4 stars; one submission).

Conditions:
Hyperaldosteronism, familial, type IV (HALD4). Also called: FH IV; ALDOSTERONISM, PRIMARY, AND HYPERTENSION. Identifiers: Orphanet 642671, MedGen C4310756, MONDO:0014875, OMIM 617027.
Idiopathic generalized epilepsy. Also called: Generalised epilepsy; EIG. Identifiers: MedGen C0270850, MONDO:0005579, OMIM 600669.

Submission:

Labcorp Genetics (formerly Invitae), Labcorp
Classification: Uncertain significance for Idiopathic generalized epilepsy; Hyperaldosteronism, familial, type IV. Last evaluated: 2025-09-27. Review status: criteria provided, single submitter. Criteria: Invitae Variant Classification Sherloc (09022015). Collection method: clinical testing. Allele origin: germline.
Comment: This sequence change replaces aspartic acid, which is acidic and polar, with tyrosine, which is neutral and polar, at codon 296 of the CACNA1H protein (p.Asp296Tyr). This variant is not present in population databases (gnomAD no frequency). This variant has not been reported in the literature in individuals affected with CACNA1H-related conditions. Invitae Evidence Modeling of protein sequence and biophysical properties (such as structural, functional, and spatial information, amino acid conservation, physicochemical variation, residue mobility, and thermodynamic stability) indicates that this missense variant is not expected to disrupt CACNA1H protein function with a negative predictive value of 80%. In summary, the available evidence is currently insufficient to determine the role of this variant in disease. Therefore, it has been classified as a Variant of Uncertain Significance.

NM_021098.3(CACNA1H):c.886G>T (p.Asp296Tyr)

Gene: CACNA1H (calcium voltage-gated channel subunit alpha1 H; plus strand). Cytogenetic location: 16p13.3.
Variant type: single nucleotide variant.
Coding change: c.886G>T on transcript NM_021098.3 (MANE Select); coding-DNA position 886, G replaced by T.
Protein change: p.Asp296Tyr; replaces aspartic acid 296 with tyrosine.
Molecular consequence: missense variant.
Genome position (GRCh38, 1-based): chr16:1,200,338, G>T. VCF-style: chr16-1200338-G-T. GRCh37 (hg19) VCF-style: chr16-1250338-G-T.
Other names: c.886G>T, p.Asp296Tyr (NM_001005407.2); short protein forms D296Y.
Identifiers: ClinVar variation 4789990 (VCV004789990.1).